The following is an entry in ClinVar:

ClinVar aggregate classification (germline): Uncertain significance (1 of 4 stars; one submission).

Submission:

GeneDx
Classification: Uncertain significance. Last evaluated: 2026-03-17. Review status: criteria provided, single submitter. Criteria: GeneDx Variant Classification Process June 2021. Collection method: clinical testing. Allele origin: germline.
Comment: Not observed at significant frequency in large population cohorts (gnomAD); In silico analysis supports that this missense variant has a deleterious effect on protein structure/function; Has not been previously published as pathogenic or benign to our knowledge

NM_002972.4(SBF1):c.4054C>T (p.Leu1352Phe)

Gene: SBF1 (SET binding factor 1; minus strand). Cytogenetic location: 22q13.33.
Variant type: single nucleotide variant.
Coding change: c.4054C>T on transcript NM_002972.4 (MANE Select); coding-DNA position 4054, C replaced by T.
Protein change: p.Leu1352Phe; replaces leucine 1352 with phenylalanine.
Molecular consequence: missense variant.
Genome position (GRCh38, 1-based): chr22:50,456,524, G>A on the plus strand (C>T on the coding strand, the complement: SBF1 is on the minus strand). VCF-style: chr22-50456524-G-A. GRCh37 (hg19) VCF-style: chr22-50894953-G-A.
Other names: c.3979C>T, p.Leu1327Phe (NM_001365819.1); c.4057C>T, p.Leu1353Phe (NM_001410794.1); c.3976C>T, p.Leu1326Phe (NM_001410795.1); short protein forms L1327F, L1352F, L1326F, L1353F.
Identifiers: ClinVar variation 5009363 (VCV005009363.1).
Genomic context (GRCh38, chr22:50,456,524, plus strand): 5'-CACCCCCCACCCCCCGCACCCCAGTCACCTTGAGCTGGGCTTTGTCCCCAAGGATATAGA[G>A]GGCTGCTCGCTGCGGACGCAGGAAGCCCGGGTCGGGAGGGCCCCCGTTGGCCTGGGGTGG-3'
Protein context (NP_002963.2, residues 1342-1362): PGFLRPQRAA[Leu1352Phe]YILGDKAQLK